The following is an entry in ClinVar:

NM_003803.4(MYOM1):c.1847G>A (p.Arg616His)

Gene: MYOM1 (myomesin 1; minus strand). Cytogenetic location: 18p11.31.
Variant type: single nucleotide variant.
Coding change: c.1847G>A on transcript NM_003803.4 (MANE Select); coding-DNA position 1847, G replaced by A.
Protein change: p.Arg616His; replaces arginine 616 with histidine.
Molecular consequence: missense variant.
Genome position (GRCh38, 1-based): chr18:3,149,198, C>T on the plus strand (G>A on the coding strand, the complement: MYOM1 is on the minus strand). VCF-style: chr18-3149198-C-T. GRCh37 (hg19) VCF-style: chr18-3149196-C-T.
Other names: c.1847G>A, p.Arg616His (NM_019856.2); short protein forms R616H.
Identifiers: ClinVar variation 1015970 (VCV001015970.9), dbSNP rs183893490, ClinGen allele CA8874825.
Genomic context (GRCh38, chr18:3,149,198, plus strand): 5'-TTCTTACCTGAAGGTTCCTCTTCAGTAACAATGATCTGTCCAGTCCAGGGTGCTGAGGGG[C>T]GACCTGAATAAAGACAAATATAAGAATCACAAACGTTTACAAGTGTGCAATTTATCAGCT-3'
Protein context (NP_003794.3, residues 606-626): DPAEKARLKS[Arg616His]PSAPWTGQII

ClinVar aggregate classification (germline): Uncertain significance (1 of 4 stars; one submission).

Conditions:
Hypertrophic cardiomyopathy. Also called: HYPERTROPHIC MYOCARDIOPATHY. Identifiers: Orphanet 217569, MedGen C0007194, MeSH D002312, MONDO:0005045, HP:0001639.

Allele frequency attached by ClinVar (database versions not stated): TOPMed 0.00002; gnomAD 0.00003; 1000 Genomes Project 30x 0.00016; 1000 Genomes Project 0.00020.

Submission:

Labcorp Genetics (formerly Invitae), Labcorp
Classification: Uncertain significance for Hypertrophic cardiomyopathy. Last evaluated: 2025-08-29. Review status: criteria provided, single submitter. Criteria: Invitae Variant Classification Sherloc (09022015). Collection method: clinical testing. Allele origin: germline.
Comment: This sequence change replaces arginine, which is basic and polar, with histidine, which is basic and polar, at codon 616 of the MYOM1 protein (p.Arg616His). This variant is present in population databases (rs183893490, gnomAD 0.02%). This variant has not been reported in the literature in individuals affected with MYOM1-related conditions. ClinVar contains an entry for this variant (Variation ID: 1015970). Invitae Evidence Modeling of protein sequence and biophysical properties (such as structural, functional, and spatial information, amino acid conservation, physicochemical variation, residue mobility, and thermodynamic stability) indicates that this missense variant is not expected to disrupt MYOM1 protein function with a negative predictive value of 80%. In summary, the available evidence is currently insufficient to determine the role of this variant in disease. Therefore, it has been classified as a Variant of Uncertain Significance.